The following is an entry in ClinVar:

NM_032043.3(BRIP1):c.1714G>T (p.Val572Phe)

Gene: BRIP1 (BRCA1 interacting DNA helicase 1; minus strand). Cytogenetic location: 17q23.2.
Variant type: single nucleotide variant.
Coding change: c.1714G>T on transcript NM_032043.3 (MANE Select); coding-DNA position 1714, G replaced by T.
Protein change: p.Val572Phe; replaces valine 572 with phenylalanine.
Molecular consequence: missense variant.
Genome position (GRCh38, 1-based): chr17:61,780,920, C>A on the plus strand (G>T on the coding strand, the complement: BRIP1 is on the minus strand). VCF-style: chr17-61780920-C-A. GRCh37 (hg19) VCF-style: chr17-59858281-C-A.
Other names: short protein forms V572F.
Identifiers: ClinVar variation 628922 (VCV000628922.7), dbSNP rs1567813643, ClinGen allele CA400480402.

ClinVar aggregate classification (germline): Uncertain significance. Review status: criteria provided, multiple submitters, no conflicts (2 of 4 stars). 3 submissions from 3 submitters: Uncertain significance (3). Last evaluated 2026-06-13.

Conditions:
Hereditary cancer-predisposing syndrome. Also called: Neoplastic Syndromes, Hereditary; Tumor predisposition; Hereditary neoplastic syndrome; Hereditary Cancer Syndrome. Identifiers: Orphanet 140162, MedGen C0027672, MeSH D009386, MONDO:0015356.
BRIP1-related disorder. Also called: BRIP1-related condition; BRIP1-related disorders. Identifiers: MedGen CN239206.

Submissions (3):

Ambry Genetics
Classification: Uncertain significance for Hereditary cancer-predisposing syndrome. Last evaluated: 2026-06-13. Review status: criteria provided, single submitter. Criteria: Ambry Variant Classification Scheme 2023. Collection method: clinical testing. Allele origin: germline.
Comment: The p.V572F variant (also known as c.1714G>T), located in coding exon 11 of the BRIP1 gene, results from a G to T substitution at nucleotide position 1714. The valine at codon 572 is replaced by phenylalanine, an amino acid with highly similar properties. This amino acid position is conserved. In addition, this alteration is predicted to be tolerated by in silico analysis. Based on the available evidence, the clinical significance of this variant remains unclear.

PreventionGenetics, part of Exact Sciences
Classification: Uncertain significance for BRIP1-related condition. Last evaluated: 2025-07-24. Review status: criteria provided, single submitter. Criteria: ACMG Guidelines, 2015. Collection method: clinical testing. Allele origin: germline.
Comment: The BRIP1 c.1714G>T variant is predicted to result in the amino acid substitution p.Val572Phe. To our knowledge, this variant has not been reported in the literature or in a large population database (gnomAD), indicating this variant is rare. This variant is classified as uncertain in ClinVar (Variation ID: 628922). At this time, the clinical significance of this variant is uncertain due to the absence of conclusive functional and genetic evidence.

Color Diagnostics, LLC DBA Color Health
Classification: Uncertain significance for Hereditary cancer-predisposing syndrome. Last evaluated: 2023-12-05. Review status: criteria provided, single submitter. Criteria: ACMG Guidelines, 2015. Collection method: clinical testing. Allele origin: germline.
Comment: This missense variant replaces valine with phenylalanine at codon 572 of the BRIP1 protein. Computational prediction suggests that this variant may not impact protein structure and function (internally defined REVEL score threshold <= 0.5, PMID: 27666373). To our knowledge, functional studies have not been reported for this variant. This variant has not been reported in individuals affected with BRIP1-related disorders in the literature. This variant has not been identified in the general population by the Genome Aggregation Database (gnomAD). The available evidence is insufficient to determine the role of this variant in disease conclusively. Therefore, this variant is classified as a Variant of Uncertain Significance.